The following is an entry in ClinVar:

ClinVar aggregate classification (germline): Uncertain significance (1 of 4 stars; one submission).

Allele frequency attached by ClinVar (database versions not stated): ExAC 0.00001; gnomAD 0.00001; gnomAD exomes 0.00001; 1000 Genomes Project 30x 0.00016.
gnomAD v4.1: 22 of 1,614,098 alleles (0.0014%); highest among the groups gnomAD compares: African/African-American, 0.0027%; no homozygotes.

Submission:

Labcorp Genetics (formerly Invitae), Labcorp
Classification: Uncertain significance. Last evaluated: 2022-03-06. Review status: criteria provided, single submitter. Criteria: Invitae Variant Classification Sherloc (09022015). Collection method: clinical testing. Allele origin: germline.
Comment: This sequence change replaces valine, which is neutral and non-polar, with methionine, which is neutral and non-polar, at codon 169 of the CNGB1 protein (p.Val169Met). This variant is present in population databases (rs772186517, gnomAD 0.007%). This variant has not been reported in the literature in individuals affected with CNGB1-related conditions. Advanced modeling of protein sequence and biophysical properties (such as structural, functional, and spatial information, amino acid conservation, physicochemical variation, residue mobility, and thermodynamic stability) performed at Invitae indicates that this missense variant is not expected to disrupt CNGB1 protein function. In summary, the available evidence is currently insufficient to determine the role of this variant in disease. Therefore, it has been classified as a Variant of Uncertain Significance.

NM_001297.5(CNGB1):c.505G>A (p.Val169Met)

Gene: CNGB1 (cyclic nucleotide gated channel subunit beta 1; minus strand). Cytogenetic location: 16q21.
Variant type: single nucleotide variant.
Coding change: c.505G>A on transcript NM_001297.5 (MANE Select); coding-DNA position 505, G replaced by A.
Protein change: p.Val169Met; replaces valine 169 with methionine.
Molecular consequence: missense variant.
Genome position (GRCh38, 1-based): chr16:57,960,869, C>T on the plus strand (G>A on the coding strand, the complement: CNGB1 is on the minus strand). VCF-style: chr16-57960869-C-T. GRCh37 (hg19) VCF-style: chr16-57994773-C-T.
Other names: c.505G>A, p.Val169Met (NM_001135639.2, NM_001286130.2); short protein forms V169M.
Identifiers: ClinVar variation 1917334 (VCV001917334.5), dbSNP rs772186517, ClinGen allele CA8083790.